The following is an entry in ClinVar:

ClinVar aggregate classification (germline): Benign. Review status: criteria provided, multiple submitters, no conflicts (2 of 4 stars). 3 submissions from 3 submitters: Benign (2). 1 of the submissions does not count toward it. Last evaluated 2024-11-27.

Allele frequency attached by ClinVar (database versions not stated): 1000 Genomes Project 0.14976; 1000 Genomes Project 30x 0.15084; TOPMed 0.21891; gnomAD 0.23147 and 0.23224; ESP Exome Variant Server 0.24381; ExAC 0.26481.
gnomAD v4.1: 488,521 of 1,612,220 alleles (30%); highest among the groups gnomAD compares: Middle Eastern, 36%; 79,564 homozygotes.

Submissions (3):

Blueprint Genetics
Classification: Benign. Last evaluated: 2024-11-27. Review status: criteria provided, single submitter. Criteria: ACMG Guidelines, 2015. Collection method: clinical testing. Allele origin: germline.

Breakthrough Genomics
Classification: Benign. Review status: criteria provided, single submitter. Criteria: ACMG Guidelines, 2015. Collection method: not provided. Allele origin: germline. Inheritance: Autosomal recessive inheritance. Affected: yes.

Genetic Services Laboratory, University of Chicago
Classification: Likely benign. Review status: no assertion criteria provided. Collection method: clinical testing. Allele origin: germline. Inheritance: Autosomal recessive inheritance. Not counted in ClinVar's aggregate classification.
Comment: Likely benign based on allele frequency in 1000 Genomes Project or ESP global frequency and its presence in a patient with a rare or unrelated disease phenotype. NOT Sanger confirmed

NM_024596.5(MCPH1):c.2214+19983C>T

Genes: ANGPT2 (angiopoietin 2; minus strand), MCPH1 (microcephalin 1; plus strand). Cytogenetic location: 8p23.1.
Variant type: single nucleotide variant.
Coding change: c.2214+19983C>T on transcript NM_024596.5 (MANE Select); 19983 bases into the intron after coding-DNA position 2214, C replaced by T.
Molecular consequence: intron variant. On other transcripts: synonymous variant (6).
Genome position (GRCh38, 1-based): chr8:6,519,912, C>T. VCF-style: chr8-6519912-C-T. GRCh37 (hg19) VCF-style: chr8-6377433-C-T.
Other names: c.879G>A, p.Thr293= (NM_001118887.2, NM_001386337.1); c.726G>A, p.Thr242= (NM_001118888.2); c.882G>A, p.Thr294= (NM_001147.3, NM_001386336.1); c.723G>A, p.Thr241= (NM_001386335.1); c.2214+19983C>T (NM_001322042.2, NM_001363979.1, NM_001410917.1 and 1 more transcripts); c.1935+64660C>T (NM_001363980.2).
Identifiers: ClinVar variation 158837 (VCV000158837.8), dbSNP rs1961222, ClinGen allele CA172506.